The following is an entry in ClinVar:

NM_003079.5(SMARCE1):c.673C>T (p.Gln225Ter)

Gene: SMARCE1 (SWI/SNF related BAF chromatin remodeling complex subunit E1; minus strand). Cytogenetic location: 17q21.2.
Variant type: single nucleotide variant.
Coding change: c.673C>T on transcript NM_003079.5 (MANE Select); coding-DNA position 673, C replaced by T.
Protein change: p.Gln225Ter; replaces glutamine 225 with a stop codon.
Molecular consequence: nonsense.
Genome position (GRCh38, 1-based): chr17:40,632,236, G>A on the plus strand (C>T on the coding strand, the complement: SMARCE1 is on the minus strand). VCF-style: chr17-40632236-G-A. GRCh37 (hg19) VCF-style: chr17-38788488-G-A.
Other names: short protein forms Q225*.
Identifiers: ClinVar variation 1755184 (VCV001755184.5), dbSNP rs2143988301, ClinGen allele CA399364621.
Genomic context (GRCh38, chr17:40,632,236, plus strand): 5'-GAATGTTTTATGACTTTACCTGATGAACCATTAAGGACTGGACCTGCCGTTTGAGGACCT[G>A]CATTCTAGCTGTTGTGACAACTGACCGAACGTCTGGCACCACACTCTCACTAAGAATTTC-3'

ClinVar aggregate classification (germline): Pathogenic. Review status: criteria provided, multiple submitters, no conflicts (2 of 4 stars). 2 submissions from 2 submitters: Pathogenic (2). Last evaluated 2023-09-14.

Conditions:
Hereditary cancer-predisposing syndrome. Also called: Neoplastic Syndromes, Hereditary; Tumor predisposition; Hereditary Cancer Syndrome; Hereditary neoplastic syndrome. Identifiers: Orphanet 140162, MedGen C0027672, MeSH D009386, MONDO:0015356.
Familial meningioma. Also called: Meningioma, familial, susceptibility to. Identifiers: Orphanet 263662, MedGen C3551915, MONDO:0011789, OMIM 607174.

Submissions (2):

Labcorp Genetics (formerly Invitae), Labcorp
Classification: Pathogenic for Familial meningioma. Last evaluated: 2023-09-14. Review status: criteria provided, single submitter. Criteria: Invitae Variant Classification Sherloc (09022015). Collection method: clinical testing. Allele origin: germline.
Comment: This sequence change creates a premature translational stop signal (p.Gln225*) in the SMARCE1 gene. It is expected to result in an absent or disrupted protein product. Loss-of-function variants in SMARCE1 are known to be pathogenic (PMID: 23377182). This variant is not present in population databases (gnomAD no frequency). This variant has not been reported in the literature in individuals affected with SMARCE1-related conditions. ClinVar contains an entry for this variant (Variation ID: 1755184). For these reasons, this variant has been classified as Pathogenic.

Ambry Genetics
Classification: Pathogenic for Hereditary cancer-predisposing syndrome. Last evaluated: 2021-05-11. Review status: criteria provided, single submitter. Criteria: Ambry Variant Classification Scheme 2023. Collection method: clinical testing. Allele origin: germline.
Comment: The p.Q225* pathogenic mutation (also known as c.673C>T), located in coding exon 7 of the SMARCE1 gene, results from a C to T substitution at nucleotide position 673. This changes the amino acid from a glutamine to a stop codon within coding exon 7. This alteration is expected to result in loss of function by premature protein truncation or nonsense-mediated mRNA decay. Loss-of-function variants in SMARCE1 are known to cause increased risk of meningiomas; however, such associations with neurodevelopmental disorders are exceedingly rare (Kosho T et al. Am J Med Genet C Semin Med Genet. 2014 Sep;166C(3):262-75; Smith JM et al. Nat Genet. 2013 Mar;45(3):295-8). Based on the supporting evidence, this alteration is pathogenic for an increased risk of meningiomas; however, the association of this alteration with Coffin-Siris syndrome is unlikely.

Literature cited by the submitters: PubMed 23377182 (cited by Labcorp Genetics (formerly Invitae), Labcorp).